The following is an entry in ClinVar:

ClinVar aggregate classification (germline): Conflicting classifications of pathogenicity. Review status: criteria provided, conflicting classifications (1 of 4 stars). 6 submissions from 6 submitters: Pathogenic (1); Likely pathogenic (1); Uncertain significance (4). Last evaluated 2026-06-29.

Conditions:
PKD1-related disorder. Also called: PKD1-related condition.
Polycystic kidney disease, adult type (PKD1). Also called: Polycystic Kidney, Autosomal Dominant; Polycystic Kidney Disease 1, Autosomal Dominant; Polycystic kidney disease 1; Polycystic kidney disease 1, severe; POLYCYSTIC KIDNEY DISEASE, ADULT, TYPE I; POLYCYSTIC KIDNEY DISEASE 1 WITH OR WITHOUT POLYCYSTIC LIVER DISEASE. Identifiers: MedGen C3149841, MONDO:0008263, OMIM 173900.

Allele frequency attached by ClinVar (database versions not stated): gnomAD exomes below 0.00001 and 0.00001; ExAC 0.00001; gnomAD 0.00001; TOPMed 0.00002.
gnomAD v4.1: 20 of 1,609,700 alleles (0.0012%); highest among the groups gnomAD compares: East Asian, 0.0022%; no homozygotes.

Submissions (6):

PreventionGenetics, part of Exact Sciences
Classification: Likely pathogenic for PKD1-related condition. Last evaluated: 2026-06-29. Review status: criteria provided, single submitter. Criteria: ACMG Guidelines, 2015. Collection method: clinical testing. Allele origin: germline.
Comment: The PKD1 c.8300G>A variant is predicted to result in the amino acid substitution p.Arg2767His. This variant is reported in 0.00090% of alleles in individuals of European (Non-Finnish) descent in gnomAD. This variant has been reported in individuals with autosomal dominant polycystic kidney disease (ADPKD) (Supplementary Table 2, Jin et al. 2016. PubMed ID: 27782177; reported with p.Trp1839Cys in one patient in Table S1, Kimura et al. 2023. PubMed ID: 37509056). In addition, we have found this variant in more than four presumably unrelated patients and affected family members tested for polycystic kidney disease at PreventionGenetics (internal data). Of note, three different substitutions at the same codon (p.Arg2767Cys, p.Arg2767Pro, and p.Arg2767Leu) have been reported in patients with ADPKD (Garcia-Gonzalez et al. 2007. PubMed ID: 17574468; Table S5, Audrézet et al. 2012. PubMed ID: 22508176; Supplemental Table 1, Bullich et al. 2018. PubMed ID: 29801666). Taken together, the c.8300G>A (p.Arg2767His) variant is interpreted as likely pathogenic.

Women's Health and Genetics/Laboratory Corporation of America, LabCorp
Classification: Uncertain significance. Last evaluated: 2026-06-15. Review status: criteria provided, single submitter. Criteria: LabCorp Variant Classification Summary - May 2015. Collection method: clinical testing. Allele origin: germline.
Comment: Variant summary: PKD1 c.8300G>A (p.Arg2767His) results in a non-conservative amino acid change in the encoded protein sequence. Algorithms developed to predict the effect of missense changes on protein structure and function are either unavailable or do not agree on the potential impact of this missense change. The variant allele was found at a frequency of 4e-06 in 247018 control chromosomes (gnomAD). c.8300G>A has been observed in individuals affected with PKD1-related conditions (e.g. Kimura_2023, Poli_2024, Jin_2016, Gulati_2023). These reports do not provide unequivocal conclusions about association of the variant with disease. Two other variants affecting the same codon have been classified as likely pathogenic by our lab (c.8299C>T, p.Arg2767Cys; c.8300G>C, p.Arg2767Pro), supporting the critical relevance of codon 2767 to PKD1 protein function. To our knowledge, no experimental evidence demonstrating an impact on protein function has been reported. The following publications have been ascertained in the context of this evaluation (PMID: 37509056, 38177409, 27782177, 36706243). ClinVar contains an entry for this variant (Variation ID: 1256450). Based on the evidence outlined above, the variant was classified as VUS-possibly pathogenic.

Department of Pathology and Laboratory Medicine, Sinai Health System
Classification: Uncertain significance for Polycystic kidney disease, adult type. Last evaluated: 2024-04-29. Review status: criteria provided, single submitter. Criteria: ACMG Guidelines, 2015. Collection method: clinical testing. Allele origin: germline. Affected: yes.

Blueprint Genetics
Classification: Pathogenic for PKD1-related disorders. Last evaluated: 2024-04-10. Review status: criteria provided, single submitter. Criteria: ACMG Guidelines, 2015. Collection method: clinical testing. Allele origin: germline. Affected: yes. Observed: 3 variant alleles.

DECIPHERD-UDD, Universidad del Desarrollo
Classification: Uncertain significance for Polycystic kidney disease, adult type. Last evaluated: 2023-07-01. Review status: criteria provided, single submitter. Criteria: ACMG Guidelines, 2015. Collection method: research. Allele origin: paternal. Affected: yes.

Athena Diagnostics
Classification: Uncertain significance. Last evaluated: 2022-01-04. Review status: criteria provided, single submitter. Criteria: Athena Diagnostics Criteria. Collection method: clinical testing. Allele origin: unknown.

Literature cited by the submitters: PubMed 37509056 (cited by Women's Health and Genetics/Laboratory Corporation of America, LabCorp); PubMed 27782177 (cited by Women's Health and Genetics/Laboratory Corporation of America, LabCorp); PubMed 36706243 (cited by Women's Health and Genetics/Laboratory Corporation of America, LabCorp); PubMed 38177409 (cited by 3 submitters).

NM_001009944.3(PKD1):c.8300G>A (p.Arg2767His)

Gene: PKD1 (polycystin 1, transient receptor potential channel interacting; minus strand). Cytogenetic location: 16p13.3.
Variant type: single nucleotide variant.
Coding change: c.8300G>A on transcript NM_001009944.3 (MANE Select); coding-DNA position 8300, G replaced by A.
Protein change: p.Arg2767His; replaces arginine 2767 with histidine.
Molecular consequence: missense variant.
Genome position (GRCh38, 1-based): chr16:2,103,757, C>T on the plus strand (G>A on the coding strand, the complement: PKD1 is on the minus strand). VCF-style: chr16-2103757-C-T. GRCh37 (hg19) VCF-style: chr16-2153758-C-T.
Other names: c.8300G>A, p.Arg2767His (NM_000296.4); c.8300G>A (NM_001009944.2); short protein forms R2767H.
Identifiers: ClinVar variation 1256450 (VCV001256450.8), dbSNP rs770080914, ClinGen allele CA7830570.